The following is an entry in ClinVar:

GRCh38/hg38 2q37.3(chr2:237643996-238287366)x3

Genes: ERFE (erythroferrone; plus strand), ESPNL (espin like; plus strand), HES6 (hes family bHLH transcription factor 6; minus strand), ILKAP (ILK associated serine/threonine phosphatase; minus strand), KLHL30 (kelch like family member 30; plus strand) and 39 more. Cytogenetic location: 2q37.3.
Variant type: copy number gain.
Change: copy number 3 (three copies instead of two) of chr2:237,643,996-238,287,366 (643.4 kb, GRCh38 coordinates, 1-based), cytogenetic band 2q37.3.
Identifiers: ClinVar variation 58938 (VCV000058938.1).

ClinVar aggregate classification (germline): Uncertain significance (1 of 4 stars; one submission).

Submission:

ISCA site 14
Classification: Uncertain significance. Last evaluated: 2011-08-12. Review status: criteria provided, single submitter. Criteria: Kaminsky et al. (Genet Med. 2011). Collection method: clinical testing. Allele origin: de novo. Affected: yes. Observed: 1 variant allele.
Comment: Copy number variation identified through the course of routine clinical cytogenomic testing in postnatal populations. Clinical assertions have been curated as described in Kaminsky et al. 2011.